The following is an entry in ClinVar:

NM_003482.4(KMT2D):c.5201A>G (p.Asp1734Gly)

Gene: KMT2D (lysine methyltransferase 2D; minus strand). Cytogenetic location: 12q13.12.
Variant type: single nucleotide variant.
Coding change: c.5201A>G on transcript NM_003482.4 (MANE Select); coding-DNA position 5201, A replaced by G.
Protein change: p.Asp1734Gly; replaces aspartic acid 1734 with glycine.
Molecular consequence: missense variant.
Genome position (GRCh38, 1-based): chr12:49,043,986, T>C on the plus strand (A>G on the coding strand, the complement: KMT2D is on the minus strand). VCF-style: chr12-49043986-T-C. GRCh37 (hg19) VCF-style: chr12-49437769-T-C.
Other names: short protein forms D1734G.
Identifiers: ClinVar variation 1310844 (VCV001310844.2), dbSNP rs1277411705, ClinGen allele CA384635539.

ClinVar aggregate classification (germline): Uncertain significance (1 of 4 stars; one submission).

Allele frequency attached by ClinVar (database versions not stated): gnomAD exomes below 0.00001; TOPMed below 0.00001.
gnomAD v4.1: 2 of 1,614,036 alleles (0.00012%); highest among the groups gnomAD compares: Admixed American, 0.0017%; no homozygotes.

Submission:

GeneDx
Classification: Uncertain significance. Last evaluated: 2019-09-04. Review status: criteria provided, single submitter. Criteria: GeneDx Variant Classification Process June 2021. Collection method: clinical testing. Allele origin: germline. Affected: yes.
Comment: In silico analysis, which includes protein predictors and evolutionary conservation, supports a deleterious effect; Has not been previously published as pathogenic or benign to our knowledge